The following is an entry in ClinVar:

ClinVar aggregate classification (germline): Uncertain significance (1 of 4 stars; one submission).

Submission:

Labcorp Genetics (formerly Invitae), Labcorp
Classification: Uncertain significance. Last evaluated: 2024-03-27. Review status: criteria provided, single submitter. Criteria: Invitae Variant Classification Sherloc (09022015). Collection method: clinical testing. Allele origin: germline.
Comment: This sequence change replaces proline, which is neutral and non-polar, with leucine, which is neutral and non-polar, at codon 220 of the PRMT7 protein (p.Pro220Leu). This variant is not present in population databases (gnomAD no frequency). This variant has not been reported in the literature in individuals affected with PRMT7-related conditions. Advanced modeling of protein sequence and biophysical properties (such as structural, functional, and spatial information, amino acid conservation, physicochemical variation, residue mobility, and thermodynamic stability) performed at Invitae indicates that this missense variant is not expected to disrupt PRMT7 protein function with a negative predictive value of 80%. In summary, the available evidence is currently insufficient to determine the role of this variant in disease. Therefore, it has been classified as a Variant of Uncertain Significance.

NM_019023.5(PRMT7):c.659C>T (p.Pro220Leu)

Gene: PRMT7 (protein arginine methyltransferase 7; plus strand). Cytogenetic location: 16q22.1.
Variant type: single nucleotide variant.
Coding change: c.659C>T on transcript NM_019023.5 (MANE Select); coding-DNA position 659, C replaced by T.
Protein change: p.Pro220Leu; replaces proline 220 with leucine.
Molecular consequence: missense variant. On other transcripts: non-coding transcript variant (12).
Genome position (GRCh38, 1-based): chr16:68,339,476, C>T. VCF-style: chr16-68339476-C-T. GRCh37 (hg19) VCF-style: chr16-68373379-C-T.
Other names: c.422C>T, p.Pro141Leu (NM_001378021.1, NM_001378022.1, NM_001378023.1); c.509C>T, p.Pro170Leu (NM_001184824.4); c.659C>T, p.Pro220Leu (NM_001290018.2, NM_001351143.3, NM_001351144.3 and 1 more transcripts); c.452C>T, p.Pro151Leu (NM_001378020.1); short protein forms P141L, P151L, P170L, P220L.
Identifiers: ClinVar variation 3641315 (VCV003641315.2).